The following is an entry in ClinVar:

NM_002144.4(HOXB1):c.156G>A (p.Leu52=)

Gene: HOXB1 (homeobox B1; minus strand). Cytogenetic location: 17q21.32.
Variant type: single nucleotide variant.
Coding change: c.156G>A on transcript NM_002144.4 (MANE Select); coding-DNA position 156, G replaced by A.
Protein change: p.Leu52=; no amino-acid change (leucine 52 retained).
Molecular consequence: synonymous variant.
Genome position (GRCh38, 1-based): chr17:48,530,749, C>T on the plus strand (G>A on the coding strand, the complement: HOXB1 is on the minus strand). VCF-style: chr17-48530749-C-T. GRCh37 (hg19) VCF-style: chr17-46608111-C-T.
Identifiers: ClinVar variation 1694850 (VCV001694850.31), dbSNP rs778081652, ClinGen allele CA500657133.
Genomic context (GRCh38, chr17:48,530,749, plus strand): 5'-CAGGGTCGAAGGCGGCTGCTGGGCGGGATAGCCGGAGTTCTGCTGAAACGCAGGGCTGGA[C>T]AGCCCCCCACCGTAGCGGCCCTCGCTTGCATAGCTGTCAACCGCCTGAGCCGAGCTTGGG-3'
Protein context (NP_002135.2, residues 42-62): YASEGRYGGG[Leu52=]SSPAFQQNSG

ClinVar aggregate classification (germline): Likely benign (1 of 4 stars; one submission).

Submission:

CeGaT Center for Human Genetics Tuebingen
Classification: Likely benign. Last evaluated: 2022-05-01. Review status: criteria provided, single submitter. Criteria: CeGaT Center For Human Genetics Tuebingen Variant Classification Criteria Version 2. Collection method: clinical testing. Allele origin: germline. Affected: yes. Observed: 1 variant allele.
Comment: HOXB1: PM2:Supporting, BP4, BP7